The following is an entry in ClinVar:

ClinVar aggregate classification (germline): Uncertain significance (1 of 4 stars; one submission).

Conditions:
RASopathy. Also called: rasopathies; Noonan spectrum disorder. Identifiers: Orphanet 536391, MedGen C5555857, MONDO:0021060.

Submission:

Labcorp Genetics (formerly Invitae), Labcorp
Classification: Uncertain significance for RASopathy. Last evaluated: 2022-04-01. Review status: criteria provided, single submitter. Criteria: Invitae Variant Classification Sherloc (09022015). Collection method: clinical testing. Allele origin: germline.
Comment: In summary, the available evidence is currently insufficient to determine the role of this variant in disease. Therefore, it has been classified as a Variant of Uncertain Significance. Advanced modeling of protein sequence and biophysical properties (such as structural, functional, and spatial information, amino acid conservation, physicochemical variation, residue mobility, and thermodynamic stability) performed at Invitae indicates that this missense variant is expected to disrupt CBL protein function. This variant has not been reported in the literature in individuals affected with CBL-related conditions. This variant is not present in population databases (gnomAD no frequency). This sequence change replaces leucine, which is neutral and non-polar, with proline, which is neutral and non-polar, at codon 88 of the CBL protein (p.Leu88Pro).

NM_005188.4(CBL):c.263T>C (p.Leu88Pro)

Gene: CBL (Cbl proto-oncogene; plus strand). Cytogenetic location: 11q23.3.
Variant type: single nucleotide variant.
Coding change: c.263T>C on transcript NM_005188.4 (MANE Select); coding-DNA position 263, T replaced by C.
Protein change: p.Leu88Pro; replaces leucine 88 with proline.
Molecular consequence: missense variant.
Genome position (GRCh38, 1-based): chr11:119,232,515, T>C. VCF-style: chr11-119232515-T-C. GRCh37 (hg19) VCF-style: chr11-119103225-T-C.
Other names: short protein forms L88P.
Identifiers: ClinVar variation 2120081 (VCV002120081.4), dbSNP rs2496865847, ClinGen allele CA382894465.